The following is an entry in ClinVar:

NM_003079.5(SMARCE1):c.1107T>A (p.Ser369Arg)

Gene: SMARCE1 (SWI/SNF related BAF chromatin remodeling complex subunit E1; minus strand). Cytogenetic location: 17q21.2.
Variant type: single nucleotide variant.
Coding change: c.1107T>A on transcript NM_003079.5 (MANE Select); coding-DNA position 1107, T replaced by A.
Protein change: p.Ser369Arg; replaces serine 369 with arginine.
Molecular consequence: missense variant.
Genome position (GRCh38, 1-based): chr17:40,628,914, A>T on the plus strand (T>A on the coding strand, the complement: SMARCE1 is on the minus strand). VCF-style: chr17-40628914-A-T. GRCh37 (hg19) VCF-style: chr17-38785166-A-T.
Other names: short protein forms S369R.
Identifiers: ClinVar variation 3659476 (VCV003659476.2).

ClinVar aggregate classification (germline): Uncertain significance (1 of 4 stars; one submission).

Conditions:
Familial meningioma. Also called: Meningioma, familial, susceptibility to. Identifiers: Orphanet 263662, MedGen C3551915, MONDO:0011789, OMIM 607174.

Submission:

Labcorp Genetics (formerly Invitae), Labcorp
Classification: Uncertain significance for Familial meningioma. Last evaluated: 2024-07-13. Review status: criteria provided, single submitter. Criteria: Invitae Variant Classification Sherloc (09022015). Collection method: clinical testing. Allele origin: germline.
Comment: This sequence change replaces serine, which is neutral and polar, with arginine, which is basic and polar, at codon 369 of the SMARCE1 protein (p.Ser369Arg). This variant is not present in population databases (gnomAD no frequency). This variant has not been reported in the literature in individuals affected with SMARCE1-related conditions. Advanced modeling of protein sequence and biophysical properties (such as structural, functional, and spatial information, amino acid conservation, physicochemical variation, residue mobility, and thermodynamic stability) performed at Invitae indicates that this missense variant is not expected to disrupt SMARCE1 protein function with a negative predictive value of 80%. In summary, the available evidence is currently insufficient to determine the role of this variant in disease. Therefore, it has been classified as a Variant of Uncertain Significance.